The following is an entry in ClinVar:

NM_006904.7(PRKDC):c.3910C>T (p.His1304Tyr)

Gene: PRKDC (protein kinase, DNA-activated, catalytic subunit; minus strand). Cytogenetic location: 8q11.21.
Variant type: single nucleotide variant.
Coding change: c.3910C>T on transcript NM_006904.7 (MANE Select); coding-DNA position 3910, C replaced by T.
Protein change: p.His1304Tyr; replaces histidine 1304 with tyrosine.
Molecular consequence: missense variant.
Genome position (GRCh38, 1-based): chr8:47,890,418, G>A on the plus strand (C>T on the coding strand, the complement: PRKDC is on the minus strand). VCF-style: chr8-47890418-G-A. GRCh37 (hg19) VCF-style: chr8-48802979-G-A.
Other names: c.3910C>T, p.His1304Tyr (NM_001081640.2); short protein forms H1304Y.
Identifiers: ClinVar variation 1055917 (VCV001055917.7), dbSNP rs1302491830, ClinGen allele CA371148957.

ClinVar aggregate classification (germline): Uncertain significance (1 of 4 stars; one submission).

Conditions:
Severe combined immunodeficiency due to DNA-PKcs deficiency. Also called: IMMUNODEFICIENCY 26 WITH NEUROLOGIC ABNORMALITIES; Immunodeficiency 26 with or without neurologic abnormalities. Identifiers: Orphanet 317425, MedGen C4014833, MONDO:0014423, OMIM 615966.

Allele frequency attached by ClinVar (database versions not stated): gnomAD 0.00001; TOPMed 0.00001.
gnomAD v4.1: 10 of 1,597,762 alleles (0.00063%); highest among the groups gnomAD compares: Non-Finnish European, 0.00085%; no homozygotes.

Submission:

Labcorp Genetics (formerly Invitae), Labcorp
Classification: Uncertain significance for Severe combined immunodeficiency due to DNA-PKcs deficiency. Last evaluated: 2022-03-27. Review status: criteria provided, single submitter. Criteria: Invitae Variant Classification Sherloc (09022015). Collection method: clinical testing. Allele origin: germline.
Comment: This sequence change replaces histidine, which is basic and polar, with tyrosine, which is neutral and polar, at codon 1304 of the PRKDC protein (p.His1304Tyr). This variant is not present in population databases (gnomAD no frequency). This variant has not been reported in the literature in individuals affected with PRKDC-related conditions. ClinVar contains an entry for this variant (Variation ID: 1055917). Experimental studies and prediction algorithms are not available or were not evaluated, and the functional significance of this variant is currently unknown. In summary, the available evidence is currently insufficient to determine the role of this variant in disease. Therefore, it has been classified as a Variant of Uncertain Significance.